The following is an entry in ClinVar:

NM_032444.4(SLX4):c.4409C>T (p.Pro1470Leu)

Gene: SLX4 (SLX4 structure-specific endonuclease subunit; minus strand). Cytogenetic location: 16p13.3.
Variant type: single nucleotide variant.
Coding change: c.4409C>T on transcript NM_032444.4 (MANE Select); coding-DNA position 4409, C replaced by T.
Protein change: p.Pro1470Leu; replaces proline 1470 with leucine.
Molecular consequence: missense variant.
Genome position (GRCh38, 1-based): chr16:3,589,229, G>A on the plus strand (C>T on the coding strand, the complement: SLX4 is on the minus strand). VCF-style: chr16-3589229-G-A. GRCh37 (hg19) VCF-style: chr16-3639230-G-A.
Other names: short protein forms P1470L.
Identifiers: ClinVar variation 885261 (VCV000885261.12), dbSNP rs72778139, ClinGen allele CA7865648.
Genomic context (GRCh38, chr16:3,589,229, plus strand): 5'-TCTTGCAATTTCCTCTGGGTAGTGCAGCTTCCTCGGATGGGGGTGGTGTCCAGGAGTCCC[G>A]GGGAGCGACAGTCACGGCTGTCGGCGGCCTCGTTCATCCTGCGGCTGGGGCTGCTGGTGC-3'
Protein context (NP_115820.2, residues 1460-1480): EAADSRDCRS[Pro1470Leu]GLLDTTPIRG

ClinVar aggregate classification (germline): Uncertain significance. Review status: criteria provided, multiple submitters, no conflicts (2 of 4 stars). 5 submissions from 5 submitters: Uncertain significance (5). Last evaluated 2025-10-27.

Conditions:
Fanconi anemia complementation group P. Also called: SLX4-Related Fanconi Anemia. Identifiers: Orphanet 84, MedGen C3469542, MONDO:0013499, OMIM 613951.
Fanconi anemia (FA). Also called: Fanconi's anemia. Identifiers: Orphanet 84, MedGen C0015625, MeSH D005199, MONDO:0019391.

Allele frequency attached by ClinVar (database versions not stated): ExAC 0.00008; gnomAD exomes 0.00008 and 0.00023; gnomAD 0.00009; TOPMed 0.00012; ESP Exome Variant Server 0.00015; 1000 Genomes Project 0.00020.
gnomAD v4.1: 345 of 1,610,236 alleles (0.021%); highest among the groups gnomAD compares: Non-Finnish European, 0.028%; no homozygotes.

Submissions (5):

Labcorp Genetics (formerly Invitae), Labcorp
Classification: Uncertain significance for Fanconi anemia. Last evaluated: 2025-10-27. Review status: criteria provided, single submitter. Criteria: Invitae Variant Classification Sherloc (09022015). Collection method: clinical testing. Allele origin: germline.
Comment: This sequence change replaces proline, which is neutral and non-polar, with leucine, which is neutral and non-polar, at codon 1470 of the SLX4 protein (p.Pro1470Leu). This variant is present in population databases (rs72778139, gnomAD 0.01%). This missense change has been observed in individual(s) with breast and/or ovarian cancer (PMID: 22401137, 23211700). ClinVar contains an entry for this variant (Variation ID: 885261). An algorithm developed to predict the effect of missense changes on protein structure and function (PolyPhen-2) suggests that this variant is likely to be tolerated. In summary, the available evidence is currently insufficient to determine the role of this variant in disease. Therefore, it has been classified as a Variant of Uncertain Significance.

Blueprint Genetics
Classification: Uncertain significance. Last evaluated: 2024-07-29. Review status: criteria provided, single submitter. Criteria: ACMG Guidelines, 2015. Collection method: clinical testing. Allele origin: germline.

Fulgent Genetics
Classification: Uncertain significance for Fanconi anemia complementation group P. Last evaluated: 2024-04-26. Review status: criteria provided, single submitter. Criteria: ACMG Guidelines, 2015. Collection method: clinical testing. Allele origin: germline.

Illumina Laboratory Services, Illumina
Classification: Uncertain significance for Fanconi anemia complementation group P. Last evaluated: 2017-04-27. Review status: criteria provided, single submitter. Criteria: ICSL Variant Classification Criteria 13 December 2019. Collection method: clinical testing. Allele origin: germline.
Comment: This variant was observed as part of a predisposition screen in an ostensibly healthy population. A literature search was performed for the gene, cDNA change, and amino acid change (where applicable). Publications were found based on this search. However, the evidence from the literature, in combination with allele frequency data from public databases where available, was not sufficient to rule this variant in or out of causing disease. Therefore, this variant is classified as a variant of unknown significance.

Breakthrough Genomics
Classification: Uncertain significance. Review status: criteria provided, single submitter. Criteria: ACMG Guidelines, 2015. Collection method: not provided. Allele origin: germline. Inheritance: Autosomal recessive inheritance. Affected: yes.

Literature cited by the submitters: PubMed 22401137 (cited by Labcorp Genetics (formerly Invitae), Labcorp and Illumina Laboratory Services, Illumina); PubMed 23211700 (cited by Labcorp Genetics (formerly Invitae), Labcorp and Illumina Laboratory Services, Illumina); PubMed 23840564 (cited by Illumina Laboratory Services, Illumina).